The following is an entry in ClinVar:

NM_000535.7(PMS2):c.1253C>G (p.Ser418Cys)

Gene: PMS2 (PMS1 homolog 2, mismatch repair system component; minus strand). Cytogenetic location: 7p22.1.
Variant type: single nucleotide variant.
Coding change: c.1253C>G on transcript NM_000535.7 (MANE Select); coding-DNA position 1253, C replaced by G.
Protein change: p.Ser418Cys; replaces serine 418 with cysteine.
Molecular consequence: missense variant. On other transcripts: non-coding transcript variant (1).
Genome position (GRCh38, 1-based): chr7:5,987,512, G>C on the plus strand (C>G on the coding strand, the complement: PMS2 is on the minus strand). VCF-style: chr7-5987512-G-C. GRCh37 (hg19) VCF-style: chr7-6027143-G-C.
Other names: c.848C>G, p.Ser283Cys (NM_001322003.2, NM_001322004.2, NM_001322005.2 and 1 more transcripts); c.1097C>G, p.Ser366Cys (NM_001322006.2); c.935C>G, p.Ser312Cys (NM_001322007.2, NM_001322008.2); c.692C>G, p.Ser231Cys (NM_001322010.2); c.320C>G, p.Ser107Cys (NM_001322011.2, NM_001322012.2); c.680C>G, p.Ser227Cys (NM_001322013.2); c.1253C>G, p.Ser418Cys (NM_001322014.2); c.944C>G, p.Ser315Cys (NM_001322015.2); short protein forms S283C, S366C, S418C, S312C, S315C, S107C, S227C, S231C.
Identifiers: ClinVar variation 1512548 (VCV001512548.8), dbSNP rs587782640, ClinGen allele CA366742472.

ClinVar aggregate classification (germline): Uncertain significance (1 of 4 stars; one submission).

Conditions:
Hereditary nonpolyposis colorectal neoplasms. Identifiers: MedGen C0009405, MeSH D003123.

Submission:

Labcorp Genetics (formerly Invitae), Labcorp
Classification: Uncertain significance for Hereditary nonpolyposis colorectal neoplasms. Last evaluated: 2021-02-21. Review status: criteria provided, single submitter. Criteria: Invitae Variant Classification Sherloc (09022015). Collection method: clinical testing. Allele origin: germline.
Comment: In summary, the available evidence is currently insufficient to determine the role of this variant in disease. Therefore, it has been classified as a Variant of Uncertain Significance. This sequence change replaces serine with cysteine at codon 418 of the PMS2 protein (p.Ser418Cys). The serine residue is moderately conserved and there is a moderate physicochemical difference between serine and cysteine. This variant is not present in population databases (ExAC no frequency). This variant has not been reported in the literature in individuals with PMS2-related conditions. Advanced modeling of protein sequence and biophysical properties (such as structural, functional, and spatial information, amino acid conservation, physicochemical variation, residue mobility, and thermodynamic stability) performed at Invitae indicates that this missense variant is not expected to disrupt PMS2 protein function.